The following is an entry in ClinVar:

ClinVar aggregate classification (germline): Uncertain significance (1 of 4 stars; one submission).

Conditions:
Hereditary cancer-predisposing syndrome. Also called: Hereditary neoplastic syndrome; Neoplastic Syndromes, Hereditary; Tumor predisposition; Hereditary Cancer Syndrome. Identifiers: Orphanet 140162, MedGen C0027672, MeSH D009386, MONDO:0015356.

gnomAD v4.1: 1 of 1,614,102 alleles (0.000062%); highest among the groups gnomAD compares: Non-Finnish European, 0.000085%; no homozygotes.

Submission:

Ambry Genetics
Classification: Uncertain significance for Hereditary cancer-predisposing syndrome. Last evaluated: 2024-12-14. Review status: criteria provided, single submitter. Criteria: Ambry Variant Classification Scheme 2023. Collection method: clinical testing. Allele origin: germline.
Comment: The p.T192I variant (also known as c.575C>T), located in coding exon 6 of the FANCC gene, results from a C to T substitution at nucleotide position 575. The threonine at codon 192 is replaced by isoleucine, an amino acid with similar properties. This amino acid position is conserved. In addition, this alteration is predicted to be deleterious by in silico analysis. Based on the available evidence, the clinical significance of this variant remains unclear.

NM_000136.3(FANCC):c.575C>T (p.Thr192Ile)

Genes: AOPEP (aminopeptidase O (putative); plus strand), FANCC (FA complementation group C; minus strand). Cytogenetic location: 9q22.32.
Variant type: single nucleotide variant.
Coding change: c.575C>T on transcript NM_000136.3 (MANE Select); coding-DNA position 575, C replaced by T.
Protein change: p.Thr192Ile; replaces threonine 192 with isoleucine.
Molecular consequence: missense variant.
Genome position (GRCh38, 1-based): chr9:95,150,034, G>A on the plus strand (C>T on the coding strand, the complement: FANCC is on the minus strand). VCF-style: chr9-95150034-G-A. GRCh37 (hg19) VCF-style: chr9-97912316-G-A.
Other names: c.575C>T, p.Thr192Ile (NM_001243743.2, NM_001243744.2); short protein forms T192I.
Identifiers: ClinVar variation 3848325 (VCV003848325.1).